The following is an entry in ClinVar:

ClinVar aggregate classification (germline): Pathogenic (1 of 4 stars; one submission).

Submission:

Labcorp Genetics (formerly Invitae), Labcorp
Classification: Pathogenic. Last evaluated: 2021-11-19. Review status: criteria provided, single submitter. Criteria: Invitae Variant Classification Sherloc (09022015). Collection method: clinical testing. Allele origin: germline.
Comment: Disruption of this splice site has been observed in individual(s) with clinical features of SETD5-related neurodevelopmental syndrome (Invitae). In at least one individual the variant was observed to be de novo. For these reasons, this variant has been classified as Pathogenic. Algorithms developed to predict the effect of sequence changes on RNA splicing suggest that this variant may disrupt the consensus splice site. This variant is not present in population databases (gnomAD no frequency). This sequence change affects an acceptor splice site in intron 13 of the SETD5 gene. It is expected to disrupt RNA splicing. Variants that disrupt the donor or acceptor splice site typically lead to a loss of protein function (PMID: 16199547), and loss-of-function variants in SETD5 are known to be pathogenic (PMID: 24680889).

Literature cited by the submitters: PubMed 16199547; PubMed 24680889.

NM_001080517.3(SETD5):c.1525-1G>A

Gene: SETD5 (SET domain containing 5; plus strand). Cytogenetic location: 3p25.3.
Variant type: single nucleotide variant.
Coding change: c.1525-1G>A on transcript NM_001080517.3 (MANE Select); the canonical splice acceptor site of the intron before coding-DNA position 1525, G replaced by A.
Molecular consequence: splice acceptor variant.
Genome position (GRCh38, 1-based): chr3:9,447,049, G>A. VCF-style: chr3-9447049-G-A. GRCh37 (hg19) VCF-style: chr3-9488733-G-A.
Other names: c.1231-1G>A (NM_001349451.2, NM_001292043.2).
Identifiers: ClinVar variation 1451659 (VCV001451659.6), dbSNP rs2125271279, ClinGen allele CA351695233.
Genomic context (GRCh38, chr3:9,447,049, plus strand): 5'-AAAAGCTATCCACTCGTCCTCATTTGAAGCTTCCTTCTACACCAGTACTATCTCTTTCTA[G>A]ACCAGGGAAGATAGAAAGGTAGAAGCCATCATGCATGCTTTTGAAAACTTAGAGAAAAGA-3'